The following is an entry in ClinVar:

NM_015425.6(POLR1A):c.4822A>G (p.Ile1608Val)

Gene: POLR1A (RNA polymerase I subunit A; minus strand). Cytogenetic location: 2p11.2.
Variant type: single nucleotide variant.
Coding change: c.4822A>G on transcript NM_015425.6 (MANE Select); coding-DNA position 4822, A replaced by G.
Protein change: p.Ile1608Val; replaces isoleucine 1608 with valine.
Molecular consequence: missense variant.
Genome position (GRCh38, 1-based): chr2:86,028,669, T>C on the plus strand (A>G on the coding strand, the complement: POLR1A is on the minus strand). VCF-style: chr2-86028669-T-C. GRCh37 (hg19) VCF-style: chr2-86255792-T-C.
Other names: short protein forms I1608V.
Identifiers: ClinVar variation 1476664 (VCV001476664.6), dbSNP rs1350181904, ClinGen allele CA347544784.

ClinVar aggregate classification (germline): Uncertain significance (1 of 4 stars; one submission).

Allele frequency attached by ClinVar (database versions not stated): gnomAD exomes below 0.00001; TOPMed 0.00001.
gnomAD v4.1: 2 of 1,614,216 alleles (0.00012%); highest among the groups gnomAD compares: South Asian, 0.0011%; no homozygotes.

Submission:

Labcorp Genetics (formerly Invitae), Labcorp
Classification: Uncertain significance. Last evaluated: 2022-03-22. Review status: criteria provided, single submitter. Criteria: Invitae Variant Classification Sherloc (09022015). Collection method: clinical testing. Allele origin: germline.
Comment: This sequence change replaces isoleucine with valine at codon 1608 of the POLR1A protein (p.Ile1608Val). The isoleucine residue is weakly conserved and there is a small physicochemical difference between isoleucine and valine. This variant is present in population databases (no rsID available, gnomAD 0.003%). This variant has not been reported in the literature in individuals affected with POLR1A-related conditions. Algorithms developed to predict the effect of missense changes on protein structure and function output the following: SIFT: "Not Available"; PolyPhen-2: "Benign"; Align-GVGD: "Not Available". The valine amino acid residue is found in multiple mammalian species, which suggests that this missense change does not adversely affect protein function. In summary, the available evidence is currently insufficient to determine the role of this variant in disease. Therefore, it has been classified as a Variant of Uncertain Significance.